The following is an entry in ClinVar:

ClinVar aggregate classification (germline): Uncertain significance. Review status: criteria provided, multiple submitters, no conflicts (2 of 4 stars). 3 submissions from 3 submitters: Uncertain significance (3). Last evaluated 2024-06-03.

Conditions:
Polycystic kidney disease 4 (PKD4). Also called: POLYCYSTIC KIDNEY DISEASE 4 WITH OR WITHOUT POLYCYSTIC LIVER DISEASE; PKD3; Autosomal Recessive Polycystic Kidney Disease – PKHD1; POLYCYSTIC KIDNEY AND HEPATIC DISEASE 1; POLYCYSTIC KIDNEY DISEASE, INFANTILE, TYPE I. Identifiers: MedGen C4540575, MONDO:0033004, OMIM 263200.

Allele frequency attached by ClinVar (database versions not stated): gnomAD 0.00001; TOPMed 0.00001; gnomAD exomes 0.00002 and 0.00005; ExAC 0.00003.
gnomAD v4.1: 39 of 1,613,858 alleles (0.0024%); highest among the groups gnomAD compares: Middle Eastern, 0.033%; 1 homozygote.

Submissions (3):

Fulgent Genetics
Classification: Uncertain significance for Polycystic kidney disease 4. Last evaluated: 2024-06-03. Review status: criteria provided, single submitter. Criteria: ACMG Guidelines, 2015. Collection method: clinical testing. Allele origin: germline.

GeneDx
Classification: Uncertain significance. Last evaluated: 2023-11-21. Review status: criteria provided, single submitter. Criteria: GeneDx Variant Classification Process June 2021. Collection method: clinical testing. Allele origin: germline. Affected: yes.
Comment: In silico analysis supports that this missense variant does not alter protein structure/function; Has not been previously published as pathogenic or benign to our knowledge

Eurofins Ntd Llc (ga)
Classification: Uncertain significance. Last evaluated: 2016-06-10. Review status: criteria provided, single submitter. Criteria: EGL Classification Definitions 2015. Collection method: clinical testing. Allele origin: germline. Observed: 1 variant allele, 1 heterozygote.

NM_138694.4(PKHD1):c.193G>A (p.Val65Met)

Gene: PKHD1 (PKHD1 ciliary IPT domain containing fibrocystin/polyductin; minus strand). Cytogenetic location: 6p12.2.
Variant type: single nucleotide variant.
Coding change: c.193G>A on transcript NM_138694.4 (MANE Select); coding-DNA position 193, G replaced by A.
Protein change: p.Val65Met; replaces valine 65 with methionine.
Molecular consequence: missense variant.
Genome position (GRCh38, 1-based): chr6:52,082,480, C>T on the plus strand (G>A on the coding strand, the complement: PKHD1 is on the minus strand). VCF-style: chr6-52082480-C-T. GRCh37 (hg19) VCF-style: chr6-51947278-C-T.
Other names: c.193G>A, p.Val65Met (NM_170724.3); c.193G>A (NM_138694.3); short protein forms V65M.
Identifiers: ClinVar variation 288717 (VCV000288717.8), dbSNP rs749853418, ClinGen allele CA3854000.